The following is an entry in ClinVar:

ClinVar aggregate classification (germline): Uncertain significance (1 of 4 stars; one submission).

Submission:

Labcorp Genetics (formerly Invitae), Labcorp
Classification: Uncertain significance. Last evaluated: 2019-09-20. Review status: criteria provided, single submitter. Criteria: Invitae Variant Classification Sherloc (09022015). Collection method: clinical testing. Allele origin: germline.
Comment: In summary, the available evidence is currently insufficient to determine the role of this variant in disease. Therefore, it has been classified as a Variant of Uncertain Significance. Algorithms developed to predict the effect of missense changes on protein structure and function output the following: SIFT: "Tolerated"; PolyPhen-2: "Benign"; Align-GVGD: "Class C0". The isoleucine amino acid residue is found in multiple mammalian species, suggesting that this missense change does not adversely affect protein function. These predictions have not been confirmed by published functional studies and their clinical significance is uncertain. This variant has not been reported in the literature in individuals with CHRM2-related conditions. This variant is not present in population databases (ExAC no frequency). This sequence change replaces valine with isoleucine at codon 292 of the CHRM2 protein (p.Val292Ile). The valine residue is moderately conserved and there is a small physicochemical difference between valine and isoleucine.

NM_001006630.2(CHRM2):c.874G>A (p.Val292Ile)

Genes: CHRM2 (cholinergic receptor muscarinic 2; plus strand), LOC349160 (uncharacterized LOC349160; minus strand). Cytogenetic location: 7q33.
Variant type: single nucleotide variant.
Coding change: c.874G>A on transcript NM_001006630.2 (MANE Select); coding-DNA position 874, G replaced by A.
Protein change: p.Val292Ile; replaces valine 292 with isoleucine.
Molecular consequence: missense variant.
Genome position (GRCh38, 1-based): chr7:137,015,739, G>A. VCF-style: chr7-137015739-G-A. GRCh37 (hg19) VCF-style: chr7-136700486-G-A.
Other names: c.874G>A, p.Val292Ile (NM_000739.3, NM_001006626.3, NM_001006627.3 and 6 more transcripts); short protein forms V292I.
Identifiers: ClinVar variation 962192 (VCV000962192.9), dbSNP rs1805134418, ClinGen allele CA369487470.